The following is an entry in ClinVar:

ClinVar aggregate classification (germline): Likely benign. Review status: criteria provided, single submitter (1 of 4 stars). 2 submissions from 2 submitters: Likely benign (1). 1 of the submissions does not count toward it. Last evaluated 2025-01-27.

Conditions:
NEDD4L-related disorder. Also called: NEDD4L-related condition.

Allele frequency attached by ClinVar (database versions not stated): gnomAD exomes below 0.00001 and 0.00002; ExAC 0.00001; gnomAD 0.00002 and 0.00003; TOPMed 0.00002.
gnomAD v4.1: 35 of 1,455,296 alleles (0.0024%); highest among the groups gnomAD compares: Non-Finnish European, 0.0032%; no homozygotes.

Submissions (2):

Labcorp Genetics (formerly Invitae), Labcorp
Classification: Likely benign. Last evaluated: 2025-01-27. Review status: criteria provided, single submitter. Criteria: Invitae Variant Classification Sherloc (09022015). Collection method: clinical testing. Allele origin: germline.

PreventionGenetics, part of Exact Sciences
Classification: Likely benign for NEDD4L-related condition. Last evaluated: 2023-03-21. Review status: no assertion criteria provided. Collection method: clinical testing. Allele origin: germline. Not counted in ClinVar's aggregate classification.
Comment: This variant is classified as likely benign based on ACMG/AMP sequence variant interpretation guidelines (Richards et al. 2015 PMID: 25741868, with internal and published modifications).

NM_001144967.3(NEDD4L):c.390C>T (p.Asp130=)

Gene: NEDD4L (NEDD4 like E3 ubiquitin protein ligase; plus strand). Cytogenetic location: 18q21.31.
Variant type: single nucleotide variant.
Coding change: c.390C>T on transcript NM_001144967.3 (MANE Select); coding-DNA position 390, C replaced by T.
Protein change: p.Asp130=; no amino-acid change (aspartic acid 130 retained).
Molecular consequence: synonymous variant.
Genome position (GRCh38, 1-based): chr18:58,322,466, C>T. VCF-style: chr18-58322466-C-T. GRCh37 (hg19) VCF-style: chr18-55989698-C-T.
Other names: c.27C>T, p.Asp9= (NM_001144964.1, NM_001144965.2, NM_001144966.3 and 2 more transcripts); c.366C>T, p.Asp122= (NM_001144968.2, NM_001144969.2); c.390C>T, p.Asp130= (NM_001243960.2, NM_015277.6); c.390C>T (NM_015277.5).
Identifiers: ClinVar variation 1086055 (VCV001086055.11), dbSNP rs778823131, ClinGen allele CA8975336.